The following is an entry in ClinVar:

NM_001080414.4(CCDC88C):c.4793G>A (p.Arg1598Gln)

Gene: CCDC88C (coiled-coil and HOOK domain protein 88C; minus strand). Cytogenetic location: 14q32.11.
Variant type: single nucleotide variant.
Coding change: c.4793G>A on transcript NM_001080414.4 (MANE Select); coding-DNA position 4793, G replaced by A.
Protein change: p.Arg1598Gln; replaces arginine 1598 with glutamine.
Molecular consequence: missense variant.
Genome position (GRCh38, 1-based): chr14:91,278,187, C>T on the plus strand (G>A on the coding strand, the complement: CCDC88C is on the minus strand). VCF-style: chr14-91278187-C-T. GRCh37 (hg19) VCF-style: chr14-91744531-C-T.
Other names: short protein forms R1598Q.
Identifiers: ClinVar variation 2375013 (VCV002375013.4), dbSNP rs375689439, ClinGen allele CA7308827.

ClinVar aggregate classification (germline): Uncertain significance. Review status: criteria provided, multiple submitters, no conflicts (2 of 4 stars). 3 submissions from 3 submitters: Uncertain significance (3). Last evaluated 2024-05-13.

Conditions:
Hydrocephalus, nonsyndromic, autosomal recessive 1 (HYC1). Also called: Hydrocephalus, nonsyndromic, autosomal recessive; Congenital hydrocephalus 1. Identifiers: Orphanet 2185, MedGen C3887608, MONDO:0009360, OMIM 236600.
Spinocerebellar ataxia type 40. Identifiers: Orphanet 423275, MedGen C4518336, MONDO:0014475, OMIM 616053.
Inborn genetic diseases. Identifiers: MedGen C0950123, MeSH D030342.

Allele frequency attached by ClinVar (database versions not stated): ExAC 0.00003; ESP Exome Variant Server 0.00008; TOPMed 0.00008; gnomAD 0.00011; 1000 Genomes Project 30x 0.00016; 1000 Genomes Project 0.00020.
gnomAD v4.1: 41 of 1,608,956 alleles (0.0025%); highest among the groups gnomAD compares: African/African-American, 0.029%; no homozygotes.

Submissions (3):

Fulgent Genetics
Classification: Uncertain significance for Hydrocephalus, nonsyndromic, autosomal recessive 1; Spinocerebellar ataxia type 40. Last evaluated: 2024-05-13. Review status: criteria provided, single submitter. Criteria: ACMG Guidelines, 2015. Collection method: clinical testing. Allele origin: germline.

Women's Health and Genetics/Laboratory Corporation of America, LabCorp
Classification: Uncertain significance. Last evaluated: 2024-04-16. Review status: criteria provided, single submitter. Criteria: LabCorp Variant Classification Summary - May 2015. Collection method: clinical testing. Allele origin: germline.
Comment: Variant summary: CCDC88C c.4793G>A (p.Arg1598Gln) results in a conservative amino acid change in the encoded protein sequence. Three of five in-silico tools predict a benign effect of the variant on protein function. The variant allele was found at a frequency of 2.9e-05 in 243416 control chromosomes. The available data on variant occurrences in the general population are insufficient to allow any conclusion about variant significance. To our knowledge, no occurrence of c.4793G>A in individuals affected with CCDC88C-Related Disorders and no experimental evidence demonstrating its impact on protein function have been reported. ClinVar contains an entry for this variant (Variation ID: 2375013). Based on the evidence outlined above, the variant was classified as uncertain significance.

Ambry Genetics
Classification: Uncertain significance for Inborn genetic diseases. Last evaluated: 2022-01-10. Review status: criteria provided, single submitter. Criteria: Ambry Variant Classification Scheme 2023. Collection method: clinical testing. Allele origin: germline.